The following is an entry in ClinVar:

NM_001122630.2(CDKN1C):c.841C>G (p.Pro281Ala)

Gene: CDKN1C (cyclin dependent kinase inhibitor 1C; minus strand). Cytogenetic location: 11p15.4.
Variant type: single nucleotide variant.
Coding change: c.841C>G on transcript NM_001122630.2 (MANE Select); coding-DNA position 841, C replaced by G.
Protein change: p.Pro281Ala; replaces proline 281 with alanine.
Molecular consequence: missense variant. On other transcripts: synonymous variant (1).
Genome position (GRCh38, 1-based): chr11:2,884,081, G>C on the plus strand (C>G on the coding strand, the complement: CDKN1C is on the minus strand). VCF-style: chr11-2884081-G-C. GRCh37 (hg19) VCF-style: chr11-2905311-G-C.
Other names: c.874C>G, p.Pro292Ala (LRG_533t1, NM_000076.2, NM_001362474.2); c.841C>G, p.Pro281Ala (NM_001122631.2); c.309C>G, p.Ser103= (NM_001362475.2); short protein forms P292A, P281A.
Identifiers: ClinVar variation 580168 (VCV000580168.12), dbSNP rs1564928669, ClinGen allele CA379144937.
Genomic context (GRCh38, chr11:2,884,081, plus strand): 5'-GCGGGGTCTGCTCCACCGAGCCCACGCCAGGGGCGGCGCTTGGAGAGGGACACGGCGCGG[G>C]GACATCGCCCGACGACTTCTCAGGCGCTGATCTCTTGCGCTTGGCGAAGAAATCTGCGGG-3'
Protein context (NP_001116102.1, residues 271-291): SAPEKSSGDV[Pro281Ala]APCPSPSAAP

ClinVar aggregate classification (germline): Uncertain significance. Review status: criteria provided, multiple submitters, no conflicts (2 of 4 stars). 4 submissions from 4 submitters: Uncertain significance (4). Last evaluated 2024-05-07.

Conditions:
Beckwith-Wiedemann syndrome (BWS). Also called: EMG SYNDROME; Exomphalos macroglossia gigantism syndrome. Identifiers: Orphanet 116, MedGen C0004903, MONDO:0007534, OMIM 130650.
IMAGe syndrome. Also called: Intrauterine Growth Restriction, Metaphyseal Dysplasia, Adrenal Hypoplasia Congenita, and Genital Anomalies; Intrauterine growth retardation, metaphyseal dysplasia, adrenal hypoplasia congenita, and genital anomalies. Identifiers: Orphanet 85173, MedGen C1846009, MONDO:0013873, OMIM 614732.

Allele frequency attached by ClinVar (database versions not stated): TOPMed below 0.00001.

Submissions (4):

GeneDx
Classification: Uncertain significance. Last evaluated: 2024-05-07. Review status: criteria provided, single submitter. Criteria: GeneDx Variant Classification Process June 2021. Collection method: clinical testing. Allele origin: germline. Affected: yes.
Comment: Not observed at significant frequency in large population cohorts (gnomAD); In silico analysis supports that this missense variant has a deleterious effect on protein structure/function; Has not been previously published as pathogenic or benign to our knowledge

Blueprint Genetics
Classification: Uncertain significance. Last evaluated: 2023-05-17. Review status: criteria provided, single submitter. Criteria: ACMG Guidelines, 2015. Collection method: clinical testing. Allele origin: germline.

Labcorp Genetics (formerly Invitae), Labcorp
Classification: Uncertain significance for Beckwith-Wiedemann syndrome. Last evaluated: 2022-09-22. Review status: criteria provided, single submitter. Criteria: Invitae Variant Classification Sherloc (09022015). Collection method: clinical testing. Allele origin: germline.
Comment: In summary, the available evidence is currently insufficient to determine the role of this variant in disease. Therefore, it has been classified as a Variant of Uncertain Significance. This sequence change replaces proline, which is neutral and non-polar, with alanine, which is neutral and non-polar, at codon 292 of the CDKN1C protein (p.Pro292Ala). This variant is not present in population databases (gnomAD no frequency). This variant has not been reported in the literature in individuals affected with CDKN1C-related conditions. ClinVar contains an entry for this variant (Variation ID: 580168). Advanced modeling of protein sequence and biophysical properties (such as structural, functional, and spatial information, amino acid conservation, physicochemical variation, residue mobility, and thermodynamic stability) performed at Invitae indicates that this missense variant is not expected to disrupt CDKN1C protein function.

Fulgent Genetics
Classification: Uncertain significance for Beckwith-Wiedemann syndrome; IMAGe syndrome. Last evaluated: 2022-01-03. Review status: criteria provided, single submitter. Criteria: ACMG Guidelines, 2015. Collection method: clinical testing. Allele origin: unknown.